The following is an entry in ClinVar:

NM_000535.7(PMS2):c.2240G>C (p.Arg747Thr)

Gene: PMS2 (PMS1 homolog 2, mismatch repair system component; minus strand). Cytogenetic location: 7p22.1.
Variant type: single nucleotide variant.
Coding change: c.2240G>C on transcript NM_000535.7 (MANE Select); coding-DNA position 2240, G replaced by C.
Protein change: p.Arg747Thr; replaces arginine 747 with threonine.
Molecular consequence: missense variant. On other transcripts: non-coding transcript variant (1).
Genome position (GRCh38, 1-based): chr7:5,978,631, C>G on the plus strand (G>C on the coding strand, the complement: PMS2 is on the minus strand). VCF-style: chr7-5978631-C-G. GRCh37 (hg19) VCF-style: chr7-6018262-C-G.
Other names: c.1835G>C, p.Arg612Thr (NM_001322003.2, NM_001322004.2, NM_001322005.2 and 1 more transcripts); c.2084G>C, p.Arg695Thr (NM_001322006.2); c.1922G>C, p.Arg641Thr (NM_001322007.2, NM_001322008.2); c.1679G>C, p.Arg560Thr (NM_001322010.2); c.1307G>C, p.Arg436Thr (NM_001322011.2, NM_001322012.2); c.1667G>C, p.Arg556Thr (NM_001322013.2); c.2240G>C, p.Arg747Thr (NM_001322014.2); c.1931G>C, p.Arg644Thr (NM_001322015.2); short protein forms R747T, R436T, R612T, R641T, R644T, R695T, R556T, R560T.
Identifiers: ClinVar variation 142721 (VCV000142721.38), dbSNP rs587782671, ClinGen allele CA011098.

ClinVar aggregate classification (germline): Uncertain significance. Review status: criteria provided, multiple submitters, no conflicts (2 of 4 stars). 12 submissions from 12 submitters: Uncertain significance (12). Last evaluated 2025-12-19.

Conditions:
Mismatch repair cancer syndrome 4. Identifiers: MedGen C5436817, MONDO:0030843, OMIM 619101.
Lynch syndrome 4 (LYNCH4). Also called: Hereditary non-polyposis colorectal cancer, type 4; Colorectal cancer, hereditary nonpolyposis, type 4. Identifiers: Orphanet 144, MedGen C1838333, MONDO:0013699, OMIM 614337. Disease mechanism: loss of function.
PMS2-related disorder. Also called: PMS2-related condition.
Hereditary nonpolyposis colorectal neoplasms. Identifiers: MedGen C0009405, MeSH D003123.
Hereditary cancer-predisposing syndrome. Also called: Tumor predisposition; Hereditary neoplastic syndrome; Hereditary Cancer Syndrome; Neoplastic Syndromes, Hereditary. Identifiers: Orphanet 140162, MedGen C0027672, MeSH D009386, MONDO:0015356.
Lynch syndrome. Identifiers: Orphanet 144, MedGen C4552100, MONDO:0005835. Disease mechanism: loss of function.

Allele frequency attached by ClinVar (database versions not stated): gnomAD exomes 0.00001 and 0.00002; ExAC 0.00003.
gnomAD v4.1: 7 of 1,603,542 alleles (0.00044%); highest among the groups gnomAD compares: Non-Finnish European, 0.0006%; 1 homozygote.

Submissions (12):

Labcorp Genetics (formerly Invitae), Labcorp
Classification: Uncertain significance for Hereditary nonpolyposis colorectal neoplasms. Last evaluated: 2025-12-19. Review status: criteria provided, single submitter. Criteria: Invitae Variant Classification Sherloc (09022015). Collection method: clinical testing. Allele origin: germline.
Comment: This sequence change replaces arginine, which is basic and polar, with threonine, which is neutral and polar, at codon 747 of the PMS2 protein (p.Arg747Thr). The frequency data for this variant in the population databases (gnomAD) is considered unreliable due to the presence of homologous sequence, such as pseudogenes or paralogs, in the genome. This missense change has been observed in individual(s) with colon polyps (PMID: 26845104). ClinVar contains an entry for this variant (Variation ID: 142721). Invitae Evidence Modeling incorporating data from in vitro experimental studies (internal data) indicates that this missense variant is not expected to disrupt PMS2 function with a negative predictive value of 95%. In summary, the available evidence is currently insufficient to determine the role of this variant in disease. Therefore, it has been classified as a Variant of Uncertain Significance.

CeGaT Center for Human Genetics Tuebingen
Classification: Uncertain significance. Last evaluated: 2025-12-01. Review status: criteria provided, single submitter. Criteria: CeGaT Center For Human Genetics Tuebingen Variant Classification Criteria Version 2. Collection method: clinical testing. Allele origin: germline. Affected: yes. Observed: 1 variant allele.

PreventionGenetics, part of Exact Sciences
Classification: Uncertain significance for PMS2-related condition. Last evaluated: 2025-06-23. Review status: criteria provided, single submitter. Criteria: ACMG Guidelines, 2015. Collection method: clinical testing. Allele origin: germline.
Comment: The PMS2 c.2240G>C variant is predicted to result in the amino acid substitution p.Arg747Thr. This variant has been reported in an individual with colon polyps (Table S1, Shirts et al. 2016. PubMed ID: 26845104). It is interpreted as variant of uncertain significance in ClinVar. This variant is reported in 0.0062% of alleles in individuals of African descent in gnomAD. At this time, the clinical significance of this variant is uncertain due to the absence of conclusive functional and genetic evidence.

Ambry Genetics
Classification: Uncertain significance for Hereditary cancer-predisposing syndrome. Last evaluated: 2025-05-03. Review status: criteria provided, single submitter. Criteria: Ambry Variant Classification Scheme 2023. Collection method: clinical testing. Allele origin: germline.
Comment: The p.R747T variant (also known as c.2240G>C), located in coding exon 13 of the PMS2 gene, results from a G to C substitution at nucleotide position 2240. The arginine at codon 747 is replaced by threonine, an amino acid with similar properties. This variant has been reported in an individual with breast cancer and colon polyps (Shirts BH et al. Genet. Med. 2016 10;18:974-81). This amino acid position is well conserved in available vertebrate species. In addition, the in silico prediction for this alteration is inconclusive. Since supporting evidence is limited at this time, the clinical significance of this alteration remains unclear.

Center for Genomic Medicine, Rigshospitalet, Copenhagen University Hospital
Classification: Uncertain significance. Last evaluated: 2025-03-04. Review status: criteria provided, single submitter. Criteria: ACMG Guidelines, 2015. Collection method: clinical testing. Allele origin: germline.

Color Diagnostics, LLC DBA Color Health
Classification: Uncertain significance for Hereditary cancer-predisposing syndrome. Last evaluated: 2024-09-13. Review status: criteria provided, single submitter. Criteria: ACMG Guidelines, 2015. Collection method: clinical testing. Allele origin: germline.
Comment: This missense variant replaces arginine with threonine at codon 747 of the PMS2 protein. Computational prediction suggests that this variant may not impact protein structure and function (internally defined REVEL score threshold <= 0.5, PMID: 27666373). To our knowledge, functional studies have not been reported for this variant. This variant has been reported in an individual affected with colonic polyps (PMID: 26845104). This variant has been identified in 4/249696 chromosomes in the general population by the Genome Aggregation Database (gnomAD). The available evidence is insufficient to determine the role of this variant in disease conclusively. Therefore, this variant is classified as a Variant of Uncertain Significance.

Baylor Genetics
Classification: Uncertain significance for Lynch syndrome 4. Last evaluated: 2024-01-14. Review status: criteria provided, single submitter. Criteria: ACMG Guidelines, 2015. Collection method: clinical testing. Allele origin: unknown.

Women's Health and Genetics/Laboratory Corporation of America, LabCorp
Classification: Uncertain significance. Last evaluated: 2022-10-10. Review status: criteria provided, single submitter. Criteria: LabCorp Variant Classification Summary - May 2015. Collection method: clinical testing. Allele origin: germline.
Comment: Variant summary: PMS2 c.2240G>C (p.Arg747Thr) results in a non-conservative amino acid change located in the MutL, C-terminal, dimerisation domain of the encoded protein sequence. Three of five in-silico tools predict a damaging effect of the variant on protein function. The variant allele was found at a frequency of 1.6e-05 in 249696 control chromosomes in the gnomAD database, including 1 homozygote. The available data on variant occurrences in the general population are insufficient to allow any conclusion about variant significance, and should be interpreted with caution as the sequencing technology used may not rule out pseudogene interference. c.2240G>C has been reported in the literature as a VUS in settings of multigene panel testing in at least one individual affected with colon polyps (e.g. Shirts_2016). This report does not provide unequivocal conclusions about association of the variant with Hereditary Nonpolyposis Colorectal Cancer/Lynch syndrome. To our knowledge, no experimental evidence demonstrating an impact on protein function has been reported. Six other clinical diagnostic laboratories have submitted clinical-significance assessments for this variant to ClinVar after 2014 without evidence for independent evaluation. All laboratories cited the variant as uncertain significance. Based on the evidence outlined above, the variant was classified as uncertain significance.

Institute for Clinical Genetics, University Hospital TU Dresden, University Hospital TU Dresden
Classification: Uncertain significance. Last evaluated: 2021-11-03. Review status: criteria provided, single submitter. Criteria: ACMG Guidelines, 2015. Collection method: clinical testing. Allele origin: germline.

Fulgent Genetics
Classification: Uncertain significance for Lynch syndrome 4; Mismatch repair cancer syndrome 4. Last evaluated: 2021-10-22. Review status: criteria provided, single submitter. Criteria: ACMG Guidelines, 2015. Collection method: clinical testing. Allele origin: unknown.

Quest Diagnostics Nichols Institute San Juan Capistrano
Classification: Uncertain significance. Last evaluated: 2018-11-24. Review status: criteria provided, single submitter. Criteria: Quest Diagnostics criteria. Collection method: clinical testing. Allele origin: germline.

University of Washington Department of Laboratory Medicine, University of Washington
Classification: Uncertain significance for Hereditary nonpolyposis colon cancer. Last evaluated: 2015-11-20. Review status: criteria provided, single submitter. Criteria: Shirts et al. (Genet Med 2016). Collection method: clinical testing. Allele origin: germline. Affected: no. Observed: 1 variant allele.

Literature cited by the submitters: PubMed 26845104 (cited by 5 submitters).